The following is an entry in ClinVar:

NM_001903.5(CTNNA1):c.416T>C (p.Leu139Pro)

Gene: CTNNA1 (catenin alpha 1; plus strand). Cytogenetic location: 5q31.2.
Variant type: single nucleotide variant.
Coding change: c.416T>C on transcript NM_001903.5 (MANE Select); coding-DNA position 416, T replaced by C.
Protein change: p.Leu139Pro; replaces leucine 139 with proline.
Molecular consequence: missense variant.
Genome position (GRCh38, 1-based): chr5:138,810,152, T>C. VCF-style: chr5-138810152-T-C. GRCh37 (hg19) VCF-style: chr5-138145841-T-C.
Other names: c.416T>C, p.Leu139Pro (NM_001290307.3, NM_001323982.2, NM_001323983.1 and 3 more transcripts); c.107T>C, p.Leu36Pro (NM_001290309.3); c.47T>C, p.Leu16Pro (NM_001290310.3); short protein forms L36P, L16P, L139P.
Identifiers: ClinVar variation 4841652 (VCV004841652.1).
Genomic context (GRCh38, chr5:138,810,152, plus strand): 5'-TGAAGCGAGGCAACATGGTTCGGGCAGCTCGAGCTTTGCTCTCTGCTGTTACCCGGTTGC[T>C]GATTTTGGCTGACATGGCAGATGTCTACAAATTACTTGTTCAGCTGAAAGTTGTAAGTAT-3'
Protein context (NP_001894.2, residues 129-149): RALLSAVTRL[Leu139Pro]ILADMADVYK

ClinVar aggregate classification (germline): Uncertain significance (1 of 4 stars; one submission).

Conditions:
Hereditary cancer-predisposing syndrome. Also called: Neoplastic Syndromes, Hereditary; Tumor predisposition; Hereditary Cancer Syndrome; Hereditary neoplastic syndrome. Identifiers: Orphanet 140162, MedGen C0027672, MeSH D009386, MONDO:0015356.

Submission:

Ambry Genetics
Classification: Uncertain significance for Hereditary cancer-predisposing syndrome. Last evaluated: 2026-01-05. Review status: criteria provided, single submitter. Criteria: Ambry Variant Classification Scheme 2023. Collection method: clinical testing. Allele origin: germline.
Comment: The p.L139P variant (also known as c.416T>C), located in coding exon 3 of the CTNNA1 gene, results from a T to C substitution at nucleotide position 416. The leucine at codon 139 is replaced by proline, an amino acid with similar properties. This amino acid position is conserved. In addition, this alteration is predicted to be deleterious by in silico analysis. Based on the available evidence, the clinical significance of this variant remains unclear.